The following is an entry in ClinVar:

ClinVar aggregate classification (germline): Uncertain significance (1 of 4 stars; one submission).

Submission:

Ambry Genetics
Classification: Uncertain significance. Last evaluated: 2024-12-15. Review status: criteria provided, single submitter. Criteria: Ambry Variant Classification Scheme 2023. Collection method: clinical testing. Allele origin: germline.
Comment: The p.S2092I variant (also known as c.6275G>T), located in coding exon 27 of the WNK2 gene, results from a G to T substitution at nucleotide position 6275. The serine at codon 2092 is replaced by isoleucine, an amino acid with dissimilar properties. This amino acid position is conserved. In addition, the in silico prediction for this alteration is inconclusive. Based on the available evidence, the clinical significance of this variant remains unclear.

NM_006648.4(WNK2):c.6275G>T (p.Ser2092Ile)

Gene: WNK2 (WNK lysine deficient protein kinase 2; plus strand). Cytogenetic location: 9q22.31.
Variant type: single nucleotide variant.
Coding change: c.6275G>T on transcript NM_006648.4 (MANE Select); coding-DNA position 6275, G replaced by T.
Protein change: p.Ser2092Ile; replaces serine 2092 with isoleucine.
Molecular consequence: missense variant.
Genome position (GRCh38, 1-based): chr9:93,308,343, G>T. VCF-style: chr9-93308343-G-T. GRCh37 (hg19) VCF-style: chr9-96070625-G-T.
Other names: c.6386G>T, p.Ser2129Ile (NM_001282394.3); short protein forms S2092I, S2129I.
Identifiers: ClinVar variation 3816497 (VCV003816497.1).